The following is an entry in ClinVar:

ClinVar aggregate classification (germline): Uncertain significance (1 of 4 stars; one submission).

Conditions:
CEP164-related disorder. Also called: CEP164-related condition.

Submission:

PreventionGenetics, part of Exact Sciences
Classification: Uncertain significance for CEP164-related condition. Last evaluated: 2024-12-12. Review status: criteria provided, single submitter. Criteria: ACMG Guidelines, 2015. Collection method: clinical testing. Allele origin: germline.
Comment: The CEP164 c.1342G>C variant is predicted to result in the amino acid substitution p.Asp448His. To our knowledge, this variant has not been reported in the literature or in a large population database (gnomAD), indicating this variant is rare. At this time, the clinical significance of this variant is uncertain due to the absence of conclusive functional and genetic evidence.

NM_014956.5(CEP164):c.1342G>C (p.Asp448His)

Gene: CEP164 (centrosomal protein 164; plus strand). Cytogenetic location: 11q23.3.
Variant type: single nucleotide variant.
Coding change: c.1342G>C on transcript NM_014956.5 (MANE Select); coding-DNA position 1342, G replaced by C.
Protein change: p.Asp448His; replaces aspartic acid 448 with histidine.
Molecular consequence: missense variant.
Genome position (GRCh38, 1-based): chr11:117,380,638, G>C. VCF-style: chr11-117380638-G-C. GRCh37 (hg19) VCF-style: chr11-117251354-G-C.
Other names: c.1342G>C, p.Asp448His (NM_001440971.1, NM_001440978.1, NM_001440984.1 and 16 more transcripts); c.1183G>C, p.Asp395His (NM_001440972.1); c.1264G>C, p.Asp422His (NM_001440973.1, NM_001440974.1, NM_001440975.1 and 16 more transcripts); c.1204G>C, p.Asp402His (NM_001440960.1); short protein forms D448H, D422H, D395H, D402H.
Identifiers: ClinVar variation 4997190 (VCV004997190.1).